The following is an entry in ClinVar:

NM_024426.6(WT1):c.1564C>T (p.Leu522Phe)

Gene: WT1 (WT1 transcription factor; minus strand). Cytogenetic location: 11p13.
Variant type: single nucleotide variant.
Coding change: c.1564C>T on transcript NM_024426.6 (MANE Select); coding-DNA position 1564, C replaced by T.
Protein change: p.Leu522Phe; replaces leucine 522 with phenylalanine.
Molecular consequence: missense variant. On other transcripts: non-coding transcript variant (2).
Genome position (GRCh38, 1-based): chr11:32,389,063, G>A on the plus strand (C>T on the coding strand, the complement: WT1 is on the minus strand). VCF-style: chr11-32389063-G-A. GRCh37 (hg19) VCF-style: chr11-32410609-G-A.
Other names: c.1504C>T, p.Leu502Phe (NM_000378.6); c.904C>T, p.Leu302Phe (NM_001198551.2); c.862C>T, p.Leu288Phe (NM_001198552.2); c.376C>T, p.Leu126Phe (NM_001367854.1); c.1549C>T, p.Leu517Phe (NM_001407044.1); c.1513C>T, p.Leu505Phe (NM_001407045.1); c.1471C>T, p.Leu491Phe (NM_001407046.1); c.1432C>T, p.Leu478Phe (NM_001407047.1); and 9 more; short protein forms L449F, L464F, L478F, L288F, L429F, L446F, L522F, L126F.
Identifiers: ClinVar variation 5032017 (VCV005032017.1).

ClinVar aggregate classification (germline): Uncertain significance (1 of 4 stars; one submission).

Conditions:
Inborn genetic diseases. Identifiers: MedGen C0950123, MeSH D030342.

Submission:

Ambry Genetics
Classification: Uncertain significance for Inborn genetic diseases. Last evaluated: 2026-06-20. Review status: criteria provided, single submitter. Criteria: Ambry Variant Classification Scheme 2023. Collection method: clinical testing. Allele origin: germline.
Comment: The p.L517F variant (also known as c.1549C>T), located in coding exon 10 of the WT1 gene, results from a C to T substitution at nucleotide position 1549. The leucine at codon 517 is replaced by phenylalanine, an amino acid with highly similar properties. This amino acid position is conserved. In addition, this alteration is predicted to be tolerated by in silico analysis. Based on the available evidence, the clinical significance of this variant remains unclear.